The following is an entry in ClinVar:

ClinVar aggregate classification (germline): Uncertain significance. Review status: criteria provided, multiple submitters, no conflicts (2 of 4 stars). 2 submissions from 2 submitters: Uncertain significance (2). Last evaluated 2025-12-29.

Conditions:
Hereditary cancer-predisposing syndrome. Also called: Tumor predisposition; Hereditary Cancer Syndrome; Hereditary neoplastic syndrome; Neoplastic Syndromes, Hereditary. Identifiers: Orphanet 140162, MedGen C0027672, MeSH D009386, MONDO:0015356.
Ataxia-telangiectasia syndrome (AT). Also called: Ataxia telangiectasia (A-T); LOUIS-BAR SYNDROME; Cerebello-oculocutaneous telangiectasia; Immunodeficiency with ataxia telangiectasia; Ataxia-telangiectasia, complementation group D; AT, COMPLEMENTATION GROUP C. Identifiers: Orphanet 100, MedGen C0004135, MONDO:0008840, OMIM 208900.

Submissions (2):

Ambry Genetics
Classification: Uncertain significance for Hereditary cancer-predisposing syndrome. Last evaluated: 2025-12-29. Review status: criteria provided, single submitter. Criteria: Ambry Variant Classification Scheme 2023. Collection method: clinical testing. Allele origin: germline.
Comment: The p.L205S variant (also known as c.614T>C), located in coding exon 5 of the ATM gene, results from a T to C substitution at nucleotide position 614. The leucine at codon 205 is replaced by serine, an amino acid with dissimilar properties. This amino acid position is conserved. In addition, this alteration is predicted to be tolerated by in silico analysis. Based on the available evidence, the clinical significance of this variant remains unclear.

Labcorp Genetics (formerly Invitae), Labcorp
Classification: Uncertain significance for Ataxia-telangiectasia syndrome. Last evaluated: 2023-12-27. Review status: criteria provided, single submitter. Criteria: Invitae Variant Classification Sherloc (09022015). Collection method: clinical testing. Allele origin: germline.
Comment: This sequence change replaces leucine, which is neutral and non-polar, with serine, which is neutral and polar, at codon 205 of the ATM protein (p.Leu205Ser). This variant is not present in population databases (gnomAD no frequency). This variant has not been reported in the literature in individuals affected with ATM-related conditions. An algorithm developed to predict the effect of missense changes on protein structure and function (PolyPhen-2) suggests that this variant is likely to be disruptive. In summary, the available evidence is currently insufficient to determine the role of this variant in disease. Therefore, it has been classified as a Variant of Uncertain Significance.

NM_000051.4(ATM):c.614T>C (p.Leu205Ser)

Gene: ATM (ATM serine/threonine kinase; plus strand). Cytogenetic location: 11q22.3.
Variant type: single nucleotide variant.
Coding change: c.614T>C on transcript NM_000051.4 (MANE Select); coding-DNA position 614, T replaced by C.
Protein change: p.Leu205Ser; replaces leucine 205 with serine.
Molecular consequence: missense variant.
Genome position (GRCh38, 1-based): chr11:108,244,070, T>C. VCF-style: chr11-108244070-T-C. GRCh37 (hg19) VCF-style: chr11-108114797-T-C.
Other names: c.614T>C, p.Leu205Ser (NM_001351834.2); short protein forms L205S.
Identifiers: ClinVar variation 2705979 (VCV002705979.4), dbSNP rs2079705608, ClinGen allele CA382528230.
Genomic context (GRCh38, chr11:108,244,070, plus strand): 5'-TTTTAGTGGCTAGAATAATTCATGCTGTTACCAAAGGATGCTGTTCTCAGACTGACGGAT[T>C]AAATTCCAAATTTTTGGACTTTTTTTCCAAGGCTATTCAGTGTGCGAGGTAATCTAATCT-3'
Protein context (NP_000042.3, residues 195-215): TKGCCSQTDG[Leu205Ser]NSKFLDFFSK